The following is an entry in ClinVar:

NM_133497.4(KCNV2):c.1322T>C (p.Phe441Ser)

Gene: KCNV2 (potassium voltage-gated channel modifier subfamily V member 2; plus strand). Cytogenetic location: 9p24.2.
Variant type: single nucleotide variant.
Coding change: c.1322T>C on transcript NM_133497.4 (MANE Select); coding-DNA position 1322, T replaced by C.
Protein change: p.Phe441Ser; replaces phenylalanine 441 with serine.
Molecular consequence: missense variant.
Genome position (GRCh38, 1-based): chr9:2,719,061, T>C. VCF-style: chr9-2719061-T-C. GRCh37 (hg19) VCF-style: chr9-2719061-T-C.
Other names: short protein forms F441S.
Identifiers: ClinVar variation 1384102 (VCV001384102.6), dbSNP rs2130862066, ClinGen allele CA372802724.

ClinVar aggregate classification (germline): Uncertain significance (1 of 4 stars; one submission).

Submission:

Labcorp Genetics (formerly Invitae), Labcorp
Classification: Uncertain significance. Last evaluated: 2022-07-19. Review status: criteria provided, single submitter. Criteria: Invitae Variant Classification Sherloc (09022015). Collection method: clinical testing. Allele origin: germline.
Comment: Advanced modeling of protein sequence and biophysical properties (such as structural, functional, and spatial information, amino acid conservation, physicochemical variation, residue mobility, and thermodynamic stability) performed at Invitae indicates that this missense variant is expected to disrupt KCNV2 protein function. ClinVar contains an entry for this variant (Variation ID: 1384102). This variant has not been reported in the literature in individuals affected with KCNV2-related conditions. This variant is not present in population databases (gnomAD no frequency). This sequence change replaces phenylalanine, which is neutral and non-polar, with serine, which is neutral and polar, at codon 441 of the KCNV2 protein (p.Phe441Ser). In summary, the available evidence is currently insufficient to determine the role of this variant in disease. Therefore, it has been classified as a Variant of Uncertain Significance.